The following is an entry in ClinVar:

ClinVar aggregate classification (germline): Uncertain significance. Review status: criteria provided, multiple submitters, no conflicts (2 of 4 stars). 3 submissions from 3 submitters: Uncertain significance (3). Last evaluated 2025-05-28.

Conditions:
Nephronophthisis 4 (NPHP4). Also called: NEPHRONOPHTHISIS 4, JUVENILE. Identifiers: Orphanet 655, MedGen C1847013, MONDO:0011752, OMIM 606966.
Senior-Loken syndrome 4 (SLSN4). Identifiers: Orphanet 3156, MedGen C1846979, MONDO:0011756, OMIM 606996.
Inborn genetic diseases. Identifiers: MedGen C0950123, MeSH D030342.
Nephronophthisis. Also called: Juvenile Nephronophthisis. Identifiers: Orphanet 655, MedGen C0687120, MONDO:0019005, HP:0000090.

Allele frequency attached by ClinVar (database versions not stated): gnomAD 0.00003 and 0.00004.
gnomAD v4.1: 69 of 1,602,326 alleles (0.0043%); highest among the groups gnomAD compares: Admixed American, 0.0069%; no homozygotes.

Submissions (3):

Ambry Genetics
Classification: Uncertain significance for Inborn genetic diseases. Last evaluated: 2025-05-28. Review status: criteria provided, single submitter. Criteria: Ambry Variant Classification Scheme 2023. Collection method: clinical testing. Allele origin: germline.

Labcorp Genetics (formerly Invitae), Labcorp
Classification: Uncertain significance for Nephronophthisis. Last evaluated: 2022-03-04. Review status: criteria provided, single submitter. Criteria: Invitae Variant Classification Sherloc (09022015). Collection method: clinical testing. Allele origin: germline.
Comment: This sequence change replaces proline, which is neutral and non-polar, with arginine, which is basic and polar, at codon 483 of the NPHP4 protein (p.Pro483Arg). This variant is present in population databases (rs759608529, gnomAD 0.006%). This variant has not been reported in the literature in individuals affected with NPHP4-related conditions. ClinVar contains an entry for this variant (Variation ID: 1059127). Algorithms developed to predict the effect of missense changes on protein structure and function are either unavailable or do not agree on the potential impact of this missense change (SIFT: "Deleterious"; PolyPhen-2: "Possibly Damaging"; Align-GVGD: "Class C0"). In summary, the available evidence is currently insufficient to determine the role of this variant in disease. Therefore, it has been classified as a Variant of Uncertain Significance.

Fulgent Genetics
Classification: Uncertain significance for Nephronophthisis 4; Senior-Loken syndrome 4. Last evaluated: 2021-10-15. Review status: criteria provided, single submitter. Criteria: ACMG Guidelines, 2015. Collection method: clinical testing. Allele origin: unknown.

NM_015102.5(NPHP4):c.1448C>G (p.Pro483Arg)

Gene: NPHP4 (nephrocystin 4; minus strand). Cytogenetic location: 1p36.31.
Variant type: single nucleotide variant.
Coding change: c.1448C>G on transcript NM_015102.5 (MANE Select); coding-DNA position 1448, C replaced by G.
Protein change: p.Pro483Arg; replaces proline 483 with arginine.
Molecular consequence: missense variant. On other transcripts: non-coding transcript variant (1), intron variant (2).
Genome position (GRCh38, 1-based): chr1:5,909,207, G>C on the plus strand (C>G on the coding strand, the complement: NPHP4 is on the minus strand). VCF-style: chr1-5909207-G-C. GRCh37 (hg19) VCF-style: chr1-5969267-G-C.
Other names: c.76-3424C>G (NM_001291594.2); c.76-3427C>G (NM_001291593.2); c.1448C>G (NM_015102.3); short protein forms P483R.
Identifiers: ClinVar variation 1059127 (VCV001059127.8), dbSNP rs759608529, ClinGen allele CA554496.
Genomic context (GRCh38, chr1:5,909,207, plus strand): 5'-CTTACCCCTGGTCCCACAGGTGAGTTCTGCGGGGCAGCGAGAACTCGAGGTACTGGCGCT[G>C]GCGGGCCTGGGAGGAAGCACAGTGGGGTAGGAGAGGGAATGTGTCAGCCTGTGTTGGGGG-3'
Protein context (NP_055917.1, residues 473-493): RKPPTSPSSP[Pro483Arg]APVPRVLAAP